The following is an entry in ClinVar:

ClinVar aggregate classification (germline): Pathogenic/Likely pathogenic. Review status: criteria provided, multiple submitters, no conflicts (2 of 4 stars). 5 submissions from 5 submitters: Pathogenic (4); Likely pathogenic (1). Last evaluated 2025-11-20.

Conditions:
Familial cancer of breast. Also called: BREAST CANCER, FAMILIAL; Hereditary breast cancer; hereditary breast carcinoma. Identifiers: Orphanet 227535, MedGen C0346153, MONDO:0016419, OMIM 114480. Disease mechanism: loss of function.
Hereditary cancer-predisposing syndrome. Also called: Neoplastic Syndromes, Hereditary; Tumor predisposition; Hereditary Cancer Syndrome; Hereditary neoplastic syndrome. Identifiers: Orphanet 140162, MedGen C0027672, MeSH D009386, MONDO:0015356.

Submissions (5):

Ambry Genetics
Classification: Pathogenic for Hereditary cancer-predisposing syndrome. Last evaluated: 2025-11-20. Review status: criteria provided, single submitter. Criteria: Ambry Variant Classification Scheme 2023. Collection method: clinical testing. Allele origin: germline.
Comment: The c.703dupA pathogenic mutation, located in coding exon 4 of the PALB2 gene, results from a duplication of A at nucleotide position 703, causing a translational frameshift with a predicted alternate stop codon (p.T235Nfs*7). This variant is considered to be rare based on population cohorts in the Genome Aggregation Database (gnomAD). This alteration is expected to result in loss of function by premature protein truncation or nonsense-mediated mRNA decay. As such, this alteration is interpreted as a disease-causing mutation.

Labcorp Genetics (formerly Invitae), Labcorp
Classification: Pathogenic for Familial cancer of breast. Last evaluated: 2025-07-08. Review status: criteria provided, single submitter. Criteria: Invitae Variant Classification Sherloc (09022015). Collection method: clinical testing. Allele origin: germline.
Comment: This sequence change creates a premature translational stop signal (p.Thr235Asnfs*7) in the PALB2 gene. It is expected to result in an absent or disrupted protein product. Loss-of-function variants in PALB2 are known to be pathogenic (PMID: 17200668, 17200671, 17200672, 24136930, 25099575). This variant is not present in population databases (gnomAD no frequency). This variant has not been reported in the literature in individuals affected with PALB2-related conditions. ClinVar contains an entry for this variant (Variation ID: 924795). For these reasons, this variant has been classified as Pathogenic.

Baylor Genetics
Classification: Likely pathogenic for Familial cancer of breast. Last evaluated: 2024-02-02. Review status: criteria provided, single submitter. Criteria: ACMG Guidelines, 2015. Collection method: clinical testing. Allele origin: unknown.

Myriad Genetics, Inc.
Classification: Pathogenic for Familial cancer of breast. Last evaluated: 2023-09-07. Review status: criteria provided, single submitter. Criteria: Myriad Autosomal Dominant, Autosomal Recessive and X-Linked Classification Criteria (2023). Collection method: clinical testing. Allele origin: unknown.
Comment: This variant is considered pathogenic. This variant creates a frameshift predicted to result in premature protein truncation.

Color Diagnostics, LLC DBA Color Health
Classification: Pathogenic for Hereditary cancer-predisposing syndrome. Last evaluated: 2019-07-09. Review status: criteria provided, single submitter. Criteria: ACMG Guidelines, 2015. Collection method: clinical testing. Allele origin: germline.
Comment: This variant inserts 1 nucleotide in exon 4 of the PALB2 gene, creating a frameshift and a premature translation stop signal. This variant is expected to result in an absent or non-functional protein product. To our knowledge, functional assays have not been performed for this variant nor has this variant been reported in individuals affected with hereditary cancer in the literature. This variant has not been identified in the general population by the Genome Aggregation Database (gnomAD). Loss of PALB2 function is a known mechanism of disease. Based on available evidence, this variant is classified as Pathogenic.

Literature cited by the submitters: PubMed 17200668 (cited by Labcorp Genetics (formerly Invitae), Labcorp); PubMed 17200671 (cited by Labcorp Genetics (formerly Invitae), Labcorp); PubMed 17200672 (cited by Labcorp Genetics (formerly Invitae), Labcorp); PubMed 24136930 (cited by Labcorp Genetics (formerly Invitae), Labcorp); PubMed 25099575 (cited by Labcorp Genetics (formerly Invitae), Labcorp).

NM_024675.4(PALB2):c.703dup (p.Thr235fs)

Gene: PALB2 (partner and localizer of BRCA2; minus strand). Cytogenetic location: 16p12.2.
Variant type: Duplication.
Coding change: c.703dup on transcript NM_024675.4 (MANE Select); coding-DNA position 703, one base duplicated (A; older notation c.703dupA).
Protein change: p.Thr235fs; shifts the reading frame from threonine 235.
Molecular consequence: frameshift variant.
Genome position (GRCh38, 1-based): chr16:23,635,843, T duplicated on the plus strand (A on the coding strand, the reverse complement: PALB2 is on the minus strand). VCF-style (leftmost placement, unchanged base first): chr16-23635842-G-GT. GRCh37 (hg19) VCF-style: chr16-23647163-G-GT.
Other names: c.703dupA (NM_024675.3); short protein forms T235fs.
Identifiers: ClinVar variation 924795 (VCV000924795.13), dbSNP rs1967027806, ClinGen allele CA913188725.